The following is an entry in ClinVar:

NM_001130987.2(DYSF):c.1380+1G>C

Gene: DYSF (dysferlin; plus strand). Cytogenetic location: 2p13.2.
Variant type: single nucleotide variant.
Coding change: c.1380+1G>C on transcript NM_001130987.2 (MANE Select); the canonical splice donor site of the intron after coding-DNA position 1380, G replaced by C.
Molecular consequence: splice donor variant.
Genome position (GRCh38, 1-based): chr2:71,528,402, G>C. VCF-style: chr2-71528402-G-C. GRCh37 (hg19) VCF-style: chr2-71755532-G-C.
Other names: c.1377+1G>C (NM_001130979.2, NM_001130981.2, NM_001130980.2); c.1284+1G>C (NM_001130978.2, NM_003494.4, NM_001130977.2 and 1 more transcripts); c.1380+1G>C (NM_001130982.2, NM_001130985.2); c.1287+1G>C (NM_001130983.2, NM_001130455.2, NM_001130984.2 and 1 more transcripts).
Identifiers: ClinVar variation 1073503 (VCV001073503.10), dbSNP rs2152751353, ClinGen allele CA347215093.

ClinVar aggregate classification (germline): Pathogenic (1 of 4 stars; one submission).

Conditions:
Neuromuscular disease caused by qualitative or quantitative defects of dysferlin. Also called: Qualitative or quantitative defects of dysferlin; Dysferlinopathy. Identifiers: Orphanet 207073, MedGen C2931687, MONDO:0016145.

Submission:

Labcorp Genetics (formerly Invitae), Labcorp
Classification: Pathogenic for Neuromuscular disease caused by qualitative or quantitative defects of dysferlin. Last evaluated: 2020-01-16. Review status: criteria provided, single submitter. Criteria: Invitae Variant Classification Sherloc (09022015). Collection method: clinical testing. Allele origin: germline.
Comment: This sequence change affects a donor splice site in intron 13 of the DYSF gene. It is expected to disrupt RNA splicing and likely results in an absent or disrupted protein product. This variant is not present in population databases (ExAC no frequency). Disruption of this splice site has been observed in individual(s) with DYSF-related conditions (PMID: 27647186). Algorithms developed to predict the effect of sequence changes on RNA splicing suggest that this variant may disrupt the consensus splice site, but this prediction has not been confirmed by published transcriptional studies. Donor and acceptor splice site variants typically lead to a loss of protein function (PMID: 16199547), and loss-of-function variants in DYSF are known to be pathogenic (PMID: 17698709, 20301480). For these reasons, this variant has been classified as Pathogenic.

Literature cited by the submitters: PubMed 27647186; PubMed 16199547; PubMed 17698709; PubMed 20301480.